The following is an entry in ClinVar:

NM_177438.3(DICER1):c.3250T>C (p.Ser1084Pro)

Gene: DICER1 (dicer 1, ribonuclease III; minus strand). Cytogenetic location: 14q32.13.
Variant type: single nucleotide variant.
Coding change: c.3250T>C on transcript NM_177438.3 (MANE Select); coding-DNA position 3250, T replaced by C.
Protein change: p.Ser1084Pro; replaces serine 1084 with proline.
Molecular consequence: missense variant. On other transcripts: non-coding transcript variant (6).
Genome position (GRCh38, 1-based): chr14:95,105,090, A>G on the plus strand (T>C on the coding strand, the complement: DICER1 is on the minus strand). VCF-style: chr14-95105090-A-G. GRCh37 (hg19) VCF-style: chr14-95571427-A-G.
Other names: c.3250T>C, p.Ser1084Pro (NM_001195573.1, NM_001271282.3, NM_001291628.2 and 13 more transcripts); c.2968T>C, p.Ser990Pro (NM_001395686.1); c.2845T>C, p.Ser949Pro (NM_001395687.1, NM_001395688.1, NM_001395689.1 and 2 more transcripts); c.2683T>C, p.Ser895Pro (NM_001395691.1); c.1567T>C, p.Ser523Pro (NM_001395697.1); short protein forms S1084P, S523P, S895P, S949P, S990P.
Identifiers: ClinVar variation 1721296 (VCV001721296.6), dbSNP rs2542751034, ClinGen allele CA390876322.

ClinVar aggregate classification (germline): Uncertain significance (1 of 4 stars; one submission).

Conditions:
DICER1-related tumor predisposition. Also called: DICER1 syndrome; DICER1-related pleuropulmonary blastoma cancer predisposition syndrome. Identifiers: Orphanet 284343, MedGen C3839822, MONDO:0100216.

Submission:

Labcorp Genetics (formerly Invitae), Labcorp
Classification: Uncertain significance for DICER1-related tumor predisposition. Last evaluated: 2022-10-08. Review status: criteria provided, single submitter. Criteria: Invitae Variant Classification Sherloc (09022015). Collection method: clinical testing. Allele origin: germline.
Comment: This sequence change replaces serine, which is neutral and polar, with proline, which is neutral and non-polar, at codon 1084 of the DICER1 protein (p.Ser1084Pro). This variant is not present in population databases (gnomAD no frequency). In summary, the available evidence is currently insufficient to determine the role of this variant in disease. Therefore, it has been classified as a Variant of Uncertain Significance. Advanced modeling of protein sequence and biophysical properties (such as structural, functional, and spatial information, amino acid conservation, physicochemical variation, residue mobility, and thermodynamic stability) performed at Invitae indicates that this missense variant is not expected to disrupt DICER1 protein function. This variant has not been reported in the literature in individuals affected with DICER1-related conditions.